The following is an entry in ClinVar:

NM_003327.4(TNFRSF4):c.762T>C (p.Pro254=)

Gene: TNFRSF4 (TNF receptor superfamily member 4; minus strand). Cytogenetic location: 1p36.33.
Variant type: single nucleotide variant.
Coding change: c.762T>C on transcript NM_003327.4 (MANE Select); coding-DNA position 762, T replaced by C.
Protein change: p.Pro254=; no amino-acid change (proline 254 retained).
Molecular consequence: synonymous variant.
Genome position (GRCh38, 1-based): chr1:1,211,705, A>G on the plus strand (T>C on the coding strand, the complement: TNFRSF4 is on the minus strand). VCF-style: chr1-1211705-A-G. GRCh37 (hg19) VCF-style: chr1-1147085-A-G.
Other names: c.762T>C, p.Pro254= (NM_001410709.1).
Identifiers: ClinVar variation 2821795 (VCV002821795.3), dbSNP rs2521751660, ClinGen allele CA415357591.

ClinVar aggregate classification (germline): Uncertain significance (1 of 4 stars; one submission).

Conditions:
Combined immunodeficiency due to OX40 deficiency. Also called: OX40 DEFICIENCY; Immunodeficiency 16. Identifiers: Orphanet 431149, MedGen C3810053, MONDO:0014268, OMIM 615593.

Submission:

Labcorp Genetics (formerly Invitae), Labcorp
Classification: Uncertain significance for Combined immunodeficiency due to OX40 deficiency. Last evaluated: 2022-12-17. Review status: criteria provided, single submitter. Criteria: Invitae Variant Classification Sherloc (09022015). Collection method: clinical testing. Allele origin: germline.
Comment: This sequence change affects codon 254 of the TNFRSF4 mRNA. It is a 'silent' change, meaning that it does not change the encoded amino acid sequence of the TNFRSF4 protein. It affects a nucleotide within the consensus splice site. This variant is not present in population databases (gnomAD no frequency). This variant has not been reported in the literature in individuals affected with TNFRSF4-related conditions. Algorithms developed to predict the effect of sequence changes on RNA splicing suggest that this variant is not likely to affect RNA splicing. In summary, the available evidence is currently insufficient to determine the role of this variant in disease. Therefore, it has been classified as a Variant of Uncertain Significance.